The following is an entry in ClinVar:

ClinVar aggregate classification (germline): Conflicting classifications of pathogenicity. Review status: criteria provided, conflicting classifications (1 of 4 stars). 5 submissions from 5 submitters: Likely pathogenic (3); Uncertain significance (1). 1 of the submissions does not count toward it. Last evaluated 2024-08-11.

Conditions:
Autosomal recessive limb-girdle muscular dystrophy type 2A (LGMDR1). Also called: Calpainopathy; Muscular dystrophy, limb-girdle, type 2A, Amish; LEYDEN-MOEBIUS MUSCULAR DYSTROPHY; MUSCULAR DYSTROPHY, PELVOFEMORAL; Limb-girdle muscular dystrophy, type 2A. Identifiers: Orphanet 267, MedGen C1869123, MONDO:0009675, OMIM 253600. Disease mechanism: loss of function.

Submissions (5):

Medical Molecular Genetics Department, National Research Center
Classification: Likely pathogenic for Autosomal recessive limb-girdle muscular dystrophy type 2A. Last evaluated: 2024-08-11. Review status: criteria provided, single submitter. Criteria: ACMG Guidelines, 2015. Collection method: clinical testing. Allele origin: germline. Affected: yes.
Comment: By applying ACMG guidelines: According to insilico studies, the variant is classified as deleterious (PP3),our study patient’s clinical phenotype is typically correlated to the disease (PP4), it showed an extremely low frequency in gnomAD population databases (PS4) Reputable source recently reports variant as pathogenic , but the evidence is not available to the laboratory to perform an independent evaluation (PP5) so according to ACMG guidlines it is classified as likely pathogenic.

Labcorp Genetics (formerly Invitae), Labcorp
Classification: Uncertain significance for Autosomal recessive limb-girdle muscular dystrophy type 2A. Last evaluated: 2022-09-19. Review status: criteria provided, single submitter. Criteria: Invitae Variant Classification Sherloc (09022015). Collection method: clinical testing. Allele origin: germline.
Comment: This sequence change falls in intron 23 of the CAPN3 gene. It does not directly change the encoded amino acid sequence of the CAPN3 protein. This variant is not present in population databases (gnomAD no frequency). This variant has been observed in individual(s) with limb-girdle muscular dystrophy (PMID: 16141003, 17702496). ClinVar contains an entry for this variant (Variation ID: 550740). Algorithms developed to predict the effect of sequence changes on RNA splicing suggest that this variant may disrupt the consensus splice site. In summary, the available evidence is currently insufficient to determine the role of this variant in disease. Therefore, it has been classified as a Variant of Uncertain Significance.

CeGaT Center for Human Genetics Tuebingen
Classification: Likely pathogenic. Last evaluated: 2020-11-01. Review status: criteria provided, single submitter. Criteria: CeGaT Center For Human Genetics Tuebingen Variant Classification Criteria Version 2. Collection method: clinical testing. Allele origin: germline. Affected: yes. Observed: 2 variant alleles.

Clinical Genetics Service, Universitary Hospital 12 de Octubre
Classification: Likely pathogenic for Autosomal recessive limb-girdle muscular dystrophy type 2A. Review status: criteria provided, single submitter. Criteria: ACMG Guidelines, 2015. Collection method: clinical testing. Allele origin: germline. Affected: yes.

Counsyl
Classification: Uncertain significance for Autosomal recessive limb-girdle muscular dystrophy type 2A. Last evaluated: 2017-02-13. Review status: no assertion criteria provided. Collection method: clinical testing. Allele origin: unknown. Not counted in ClinVar's aggregate classification.

Literature cited by the submitters: PubMed 16141003 (cited by Labcorp Genetics (formerly Invitae), Labcorp and Counsyl); PubMed 17702496 (cited by Labcorp Genetics (formerly Invitae), Labcorp and Counsyl).

NM_000070.3(CAPN3):c.2440-6_2440-3del

Gene: CAPN3 (calpain 3; plus strand). Cytogenetic location: 15q15.1.
Variant type: Deletion.
Coding change: c.2440-6_2440-3del on transcript NM_000070.3 (MANE Select); 6 bases into the intron before coding-DNA position 2440 through 3 bases into the intron before coding-DNA position 2440, 4 bases deleted (TTTC; older notation c.2440-6_2440-3delTTTC).
Molecular consequence: intron variant.
Genome position (GRCh38, 1-based): chr15:42,411,741-42,411,744, TTTC deleted; deleting any 4 consecutive bases within chr15:42,411,738-42,411,744 gives the same sequence; the c. name uses the placement nearest the transcript's 3' end. VCF-style (leftmost placement, unchanged base first): chr15-42411737-CTTCT-C. GRCh37 (hg19) VCF-style: chr15-42703935-CTTCT-C.
Other names: c.2440-6_2440-3delTTTC (NM_000070.2); c.2422-6_2422-3del (NM_024344.2); c.2164-6_2164-3del (NM_173087.2); c.904-6_904-3del (NM_173088.2); c.445-6_445-3del (NM_173090.2, NM_173089.2); c.2440-6_2440-3del (NM_000070.2).
Identifiers: ClinVar variation 550740 (VCV000550740.45), dbSNP rs1555423426, ClinGen allele CA658824219.